The following is an entry in ClinVar:

ClinVar aggregate classification (germline): Uncertain significance (1 of 4 stars; one submission).

Conditions:
Werner syndrome (WRN). Identifiers: Orphanet 902, MedGen C0043119, MONDO:0010196, OMIM 277700.

Submission:

Labcorp Genetics (formerly Invitae), Labcorp
Classification: Uncertain significance for Werner syndrome. Last evaluated: 2023-08-10. Review status: criteria provided, single submitter. Criteria: Invitae Variant Classification Sherloc (09022015). Collection method: clinical testing. Allele origin: germline.
Comment: In summary, the available evidence is currently insufficient to determine the role of this variant in disease. Therefore, it has been classified as a Variant of Uncertain Significance. Algorithms developed to predict the effect of sequence changes on RNA splicing suggest that this variant may disrupt the consensus splice site. An algorithm developed to predict the effect of missense changes on protein structure and function (PolyPhen-2) suggests that this variant is likely to be disruptive. ClinVar contains an entry for this variant (Variation ID: 1401240). This variant has not been reported in the literature in individuals affected with WRN-related conditions. This variant is not present in population databases (gnomAD no frequency). This sequence change replaces aspartic acid, which is acidic and polar, with glycine, which is neutral and non-polar, at codon 82 of the WRN protein (p.Asp82Gly).

NM_000553.6(WRN):c.245A>G (p.Asp82Gly)

Gene: WRN (WRN RecQ like helicase; plus strand). Cytogenetic location: 8p12.
Variant type: single nucleotide variant.
Coding change: c.245A>G on transcript NM_000553.6 (MANE Select); coding-DNA position 245, A replaced by G.
Protein change: p.Asp82Gly; replaces aspartic acid 82 with glycine.
Molecular consequence: missense variant.
Genome position (GRCh38, 1-based): chr8:31,064,324, A>G. VCF-style: chr8-31064324-A-G. GRCh37 (hg19) VCF-style: chr8-30921840-A-G.
Other names: short protein forms D82G.
Identifiers: ClinVar variation 1401240 (VCV001401240.6), dbSNP rs2130032172, ClinGen allele CA370913974.